The following is an entry in ClinVar:

NM_000083.3(CLCN1):c.2239C>T (p.Pro747Ser)

Gene: CLCN1 (chloride voltage-gated channel 1; plus strand). Cytogenetic location: 7q34.
Variant type: single nucleotide variant.
Coding change: c.2239C>T on transcript NM_000083.3 (MANE Select); coding-DNA position 2239, C replaced by T.
Protein change: p.Pro747Ser; replaces proline 747 with serine.
Molecular consequence: missense variant. On other transcripts: non-coding transcript variant (1).
Genome position (GRCh38, 1-based): chr7:143,346,206, C>T. VCF-style: chr7-143346206-C-T. GRCh37 (hg19) VCF-style: chr7-143043299-C-T.
Other names: short protein forms P747S.
Identifiers: ClinVar variation 531754 (VCV000531754.8), dbSNP rs373850192, ClinGen allele CA4537598.
Genomic context (GRCh38, chr7:143,346,206, plus strand): 5'-CCTTCCCTTGCTCTCCACCCCTCTACTACTGCCCCTCTGTCCCCAGAAGAGCCCAATGGG[C>T]CTCTGCCTGGCCACAAACAGCAGCCGGAAGCACCAGAGCCTGCAGGTGACGCTCTTCCCT-3'
Protein context (NP_000074.3, residues 737-757): APLSPEEPNG[Pro747Ser]LPGHKQQPEA

ClinVar aggregate classification (germline): Uncertain significance (1 of 4 stars; one submission).

Conditions:
Congenital myotonia, autosomal recessive form. Also called: Becker Generalized Myotonia; BECKER DISEASE; myotonia congenita, autosomal recessive. Identifiers: Orphanet 614, MedGen C0751360, MONDO:0009715, OMIM 255700.
Congenital myotonia, autosomal dominant form (THD). Also called: THOMSEN DISEASE; Myotonia congenita autosomal dominant. Identifiers: Orphanet 614, MedGen C2936781, MONDO:0008055, OMIM 160800.

Allele frequency attached by ClinVar (database versions not stated): TOPMed below 0.00001; ExAC 0.00001; gnomAD 0.00001; ESP Exome Variant Server 0.00008.

Submission:

Labcorp Genetics (formerly Invitae), Labcorp
Classification: Uncertain significance for Congenital myotonia, autosomal recessive form; Congenital myotonia, autosomal dominant form. Last evaluated: 2021-07-20. Review status: criteria provided, single submitter. Criteria: Invitae Variant Classification Sherloc (09022015). Collection method: clinical testing. Allele origin: germline.
Comment: This sequence change replaces proline with serine at codon 747 of the CLCN1 protein (p.Pro747Ser). The proline residue is highly conserved and there is a moderate physicochemical difference between proline and serine. This variant is present in population databases (rs373850192, ExAC 0.002%). In summary, the available evidence is currently insufficient to determine the role of this variant in disease. Therefore, it has been classified as a Variant of Uncertain Significance. Algorithms developed to predict the effect of missense changes on protein structure and function do not agree on the potential impact of this missense change (SIFT: "Deleterious"; PolyPhen-2: "Possibly Damaging"; Align-GVGD: "Class C0"). This variant has not been reported in the literature in individuals with CLCN1-related disease.